The following is an entry in ClinVar:

ClinVar aggregate classification (germline): Uncertain significance. Review status: criteria provided, multiple submitters, no conflicts (2 of 4 stars). 2 submissions from 2 submitters: Uncertain significance (2). Last evaluated 2025-12-09.

Conditions:
Familial adenomatous polyposis 1 (FAP1). Also called: POLYPOSIS, ADENOMATOUS INTESTINAL; FAMILIAL ADENOMATOUS POLYPOSIS 1, ATTENUATED. Identifiers: MedGen C2713442, MONDO:0021056, OMIM 175100. Disease mechanism: loss of function.
Hereditary cancer-predisposing syndrome. Also called: Neoplastic Syndromes, Hereditary; Tumor predisposition; Hereditary neoplastic syndrome; Hereditary Cancer Syndrome. Identifiers: Orphanet 140162, MedGen C0027672, MeSH D009386, MONDO:0015356.

Submissions (2):

Labcorp Genetics (formerly Invitae), Labcorp
Classification: Uncertain significance for Familial adenomatous polyposis 1. Last evaluated: 2025-12-09. Review status: criteria provided, single submitter. Criteria: Invitae Variant Classification Sherloc (09022015). Collection method: clinical testing. Allele origin: germline.
Comment: This sequence change replaces proline, which is neutral and non-polar, with histidine, which is basic and polar, at codon 1648 of the APC protein (p.Pro1648His). This variant is not present in population databases (gnomAD no frequency). This variant has not been reported in the literature in individuals affected with APC-related conditions. ClinVar contains an entry for this variant (Variation ID: 2452707). Invitae Evidence Modeling of protein sequence and biophysical properties (such as structural, functional, and spatial information, amino acid conservation, physicochemical variation, residue mobility, and thermodynamic stability) has been performed for this missense variant. However, the output from this modeling did not meet the statistical confidence thresholds required to predict the impact of this variant on APC protein function. In summary, the available evidence is currently insufficient to determine the role of this variant in disease. Therefore, it has been classified as a Variant of Uncertain Significance.

Ambry Genetics
Classification: Uncertain significance for Hereditary cancer-predisposing syndrome. Last evaluated: 2022-12-22. Review status: criteria provided, single submitter. Criteria: Ambry Variant Classification Scheme 2023. Collection method: clinical testing. Allele origin: germline.
Comment: The p.P1648H variant (also known as c.4943C>A), located in coding exon 15 of the APC gene, results from a C to A substitution at nucleotide position 4943. The proline at codon 1648 is replaced by histidine, an amino acid with similar properties. This amino acid position is conserved. In addition, in silico predictors for this gene do not accurately predict pathogenicity. Since supporting evidence is limited at this time, the clinical significance of this alteration remains unclear.

NM_000038.6(APC):c.4943C>A (p.Pro1648His)

Gene: APC (APC regulator of Wnt signaling pathway; plus strand). Cytogenetic location: 5q22.2.
Variant type: single nucleotide variant.
Coding change: c.4943C>A on transcript NM_000038.6 (MANE Select); coding-DNA position 4943, C replaced by A.
Protein change: p.Pro1648His; replaces proline 1648 with histidine.
Molecular consequence: missense variant. On other transcripts: non-coding transcript variant (2).
Genome position (GRCh38, 1-based): chr5:112,840,537, C>A. VCF-style: chr5-112840537-C-A. GRCh37 (hg19) VCF-style: chr5-112176234-C-A.
Other names: c.4943C>A, p.Pro1648His (NM_001127510.3, NM_001354895.2, NM_001407450.1); c.4889C>A, p.Pro1630His (NM_001127511.3); c.4997C>A, p.Pro1666His (NM_001354896.2, NM_001407447.1, NM_001407448.1 and 1 more transcripts); c.4973C>A, p.Pro1658His (NM_001354897.2); c.4868C>A, p.Pro1623His (NM_001354898.2); c.4859C>A, p.Pro1620His (NM_001354899.2); c.4820C>A, p.Pro1607His (NM_001354900.2); c.4766C>A, p.Pro1589His (NM_001354901.2, NM_001407453.1); and 11 more; short protein forms P1365H, P1557H, P1638H, P1648H, P1666H, P1488H, P1519H, P1522H.
Identifiers: ClinVar variation 2452707 (VCV002452707.5), dbSNP rs2149928044, ClinGen allele CA16032155.